The following is an entry in ClinVar:

NM_001271.4(CHD2):c.4560del (p.Ser1521fs)

Gene: CHD2 (chromodomain helicase DNA binding protein 2; plus strand). Cytogenetic location: 15q26.1.
Variant type: Deletion.
Coding change: c.4560del on transcript NM_001271.4 (MANE Select); coding-DNA position 4560, one base deleted (C; older notation c.4560delC).
Protein change: p.Ser1521fs; shifts the reading frame from serine 1521.
Molecular consequence: frameshift variant.
Genome position (GRCh38, 1-based): chr15:93,009,291, C deleted. VCF-style (leftmost placement, unchanged base first): chr15-93009290-AC-A. GRCh37 (hg19) VCF-style: chr15-93552520-AC-A.
Other names: short protein forms S1521fs.
Identifiers: ClinVar variation 992760 (VCV000992760.2), dbSNP rs2054360719, ClinGen allele CA1139664172.
Genomic context (GRCh38, chr15:93,009,290, plus strand): 5'-AACACACCCGGAACTGCCTGCTGAAAATCGGAGACCGGATAGCCGAGTGCCTTAAAGCCT[AC>A]TCAGATCAGGAGCACATCAAACTCTGGAGGAGGTAACCACTTTGGCCTCGTCTGCCCAGT-3'

ClinVar aggregate classification (germline): Likely pathogenic (1 of 4 stars; one submission).

Conditions:
Developmental and epileptic encephalopathy 94 (DEE94). Also called: Epileptic encephalopathy, childhood-onset; CHD2-Related Neurodevelopmental Disorders. Identifiers: Orphanet 1942, Orphanet 2382, MedGen C3809278, MONDO:0014150, OMIM 615369.

Submission:

New York Genome Center
Classification: Likely pathogenic for Developmental and epileptic encephalopathy 94. Last evaluated: 2019-05-25. Review status: criteria provided, single submitter. Criteria: NYGC Assertion Criteria 2020. Collection method: clinical testing. Allele origin: de novo. Affected: yes. Observed: 1 heterozygote. Study: CSER-NYCKidSeq.
Comment: The de novo c.4560del, p.Ser1521GlnfsTer52 in CHD2 is a novel frameshift variant and has not been reported in the available literature. This variant is also not reported in in gnomAD database indicating this is a rare allele. The detected variant causes a 1 bp deletion at amino acid 1521, which is predicted to cause a frame shift and premature stop further downstream and in silico tool predicts the variant is expected to result in an absent protein product through nonsense-mediatedmRNAdecay [PMID: 24681721]. Based on the available evidence, the de novo variant p.Ser1521GlnfsTer52 in the CHD2 gene is classified as likely pathogenic.